The following is an entry in ClinVar:

ClinVar aggregate classification (germline): Uncertain significance (1 of 4 stars; one submission).

Submission:

Labcorp Genetics (formerly Invitae), Labcorp
Classification: Uncertain significance. Last evaluated: 2025-08-10. Review status: criteria provided, single submitter. Criteria: Invitae Variant Classification Sherloc (09022015). Collection method: clinical testing. Allele origin: germline.
Comment: This sequence change replaces glutamine, which is neutral and polar, with lysine, which is basic and polar, at codon 335 of the TFRC protein (p.Gln335Lys). This variant is not present in population databases (gnomAD no frequency). This variant has not been reported in the literature in individuals affected with TFRC-related conditions. Invitae Evidence Modeling of protein sequence and biophysical properties (such as structural, functional, and spatial information, amino acid conservation, physicochemical variation, residue mobility, and thermodynamic stability) indicates that this missense variant is expected to disrupt TFRC protein function with a positive predictive value of 80%. In summary, the available evidence is currently insufficient to determine the role of this variant in disease. Therefore, it has been classified as a Variant of Uncertain Significance.

NM_001128148.3(TFRC):c.1003C>A (p.Gln335Lys)

Gene: TFRC (transferrin receptor; minus strand). Cytogenetic location: 3q29.
Variant type: single nucleotide variant.
Coding change: c.1003C>A on transcript NM_001128148.3 (MANE Select); coding-DNA position 1003, C replaced by A.
Protein change: p.Gln335Lys; replaces glutamine 335 with lysine.
Molecular consequence: missense variant.
Genome position (GRCh38, 1-based): chr3:196,067,555, G>T on the plus strand (C>A on the coding strand, the complement: TFRC is on the minus strand). VCF-style: chr3-196067555-G-T. GRCh37 (hg19) VCF-style: chr3-195794426-G-T.
Other names: c.760C>A, p.Gln254Lys (NM_001313965.2); c.157C>A, p.Gln53Lys (NM_001313966.2); c.1003C>A, p.Gln335Lys (NM_003234.4); short protein forms Q254K, Q335K, Q53K.
Identifiers: ClinVar variation 4744305 (VCV004744305.1).